The following is an entry in ClinVar:

NM_000548.5(TSC2):c.2966+4G>C

Gene: TSC2 (TSC complex subunit 2; plus strand). Cytogenetic location: 16p13.3.
Variant type: single nucleotide variant.
Coding change: c.2966+4G>C on transcript NM_000548.5 (MANE Select); 4 bases into the intron after coding-DNA position 2966, G replaced by C.
Molecular consequence: intron variant.
Genome position (GRCh38, 1-based): chr16:2,077,730, G>C. VCF-style: chr16-2077730-G-C. GRCh37 (hg19) VCF-style: chr16-2127731-G-C.
Other names: c.2237+1145G>C (NM_001318831.2); c.2690+1145G>C (NM_001318829.2); c.2870+1145G>C (NM_001318832.2); c.2966+4G>C (NM_000548.3, NM_001114382.3); c.2837+1145G>C (NM_021055.3, NM_001370405.1, NM_001363528.2 and 2 more transcripts); c.2726+1145G>C (NM_001318827.2).
Identifiers: ClinVar variation 1518992 (VCV001518992.7), dbSNP rs1235253082, ClinGen allele CA2573151627.

ClinVar aggregate classification (germline): Uncertain significance. Review status: criteria provided, multiple submitters, no conflicts (2 of 4 stars). 2 submissions from 2 submitters: Uncertain significance (2). Last evaluated 2023-07-10.

Conditions:
Hereditary cancer-predisposing syndrome. Also called: Neoplastic Syndromes, Hereditary; Hereditary Cancer Syndrome; Tumor predisposition; Hereditary neoplastic syndrome. Identifiers: Orphanet 140162, MedGen C0027672, MeSH D009386, MONDO:0015356.
Tuberous sclerosis 2 (TSC2). Identifiers: Orphanet 805, MedGen C1860707, MONDO:0013199, OMIM 613254.

Submissions (2):

Ambry Genetics
Classification: Uncertain significance for Hereditary cancer-predisposing syndrome. Last evaluated: 2023-07-10. Review status: criteria provided, single submitter. Criteria: Ambry Variant Classification Scheme 2023. Collection method: clinical testing. Allele origin: germline.
Comment: The c.2966+4G>C intronic variant results from a G to C substitution 4 nucleotides after coding exon 25 in the TSC2 gene. This nucleotide position is highly conserved in available vertebrate species. In silico splice site analysis predicts that this alteration will not have any significant effect on splicing. Since supporting evidence is limited at this time, the clinical significance of this alteration remains unclear.

Labcorp Genetics (formerly Invitae), Labcorp
Classification: Uncertain significance for Tuberous sclerosis 2. Last evaluated: 2021-03-24. Review status: criteria provided, single submitter. Criteria: Invitae Variant Classification Sherloc (09022015). Collection method: clinical testing. Allele origin: germline.
Comment: In summary, the available evidence is currently insufficient to determine the role of this variant in disease. Therefore, it has been classified as a Variant of Uncertain Significance. Nucleotide substitutions within the consensus splice site are a relatively common cause of aberrant splicing (PMID: 17576681, 9536098). Algorithms developed to predict the effect of sequence changes on RNA splicing suggest that this variant is not likely to affect RNA splicing, but this prediction has not been confirmed by published transcriptional studies. This variant has not been reported in the literature in individuals with TSC2-related conditions. This variant is not present in population databases (ExAC no frequency). This sequence change falls in intron 26 of the TSC2 gene. It does not directly change the encoded amino acid sequence of the TSC2 protein. It affects a nucleotide within the consensus splice site of the intron.

Literature cited by the submitters: PubMed 17576681 (cited by Labcorp Genetics (formerly Invitae), Labcorp); PubMed 9536098 (cited by Labcorp Genetics (formerly Invitae), Labcorp).